The following is an entry in ClinVar:

NM_177438.3(DICER1):c.3706A>G (p.Thr1236Ala)

Gene: DICER1 (dicer 1, ribonuclease III; minus strand). Cytogenetic location: 14q32.13.
Variant type: single nucleotide variant.
Coding change: c.3706A>G on transcript NM_177438.3 (MANE Select); coding-DNA position 3706, A replaced by G.
Protein change: p.Thr1236Ala; replaces threonine 1236 with alanine.
Molecular consequence: missense variant.
Genome position (GRCh38, 1-based): chr14:95,103,690, T>C on the plus strand (A>G on the coding strand, the complement: DICER1 is on the minus strand). VCF-style: chr14-95103690-T-C. GRCh37 (hg19) VCF-style: chr14-95570027-T-C.
Other names: c.3706A>G, p.Thr1236Ala (NM_001195573.1, NM_001271282.3, NM_001291628.2 and 1 more transcripts); short protein forms T1236A.
Identifiers: ClinVar variation 857609 (VCV000857609.12), dbSNP rs1891116180, ClinGen allele CA390874279.
Genomic context (GRCh38, chr14:95,103,690, plus strand): 5'-GACTTCCATCTGAGGTAGATTTGTTAGCATTTCCATCAAGGTATTTATTACTCAGGAGAG[T>C]ACATTCATCGCTGGGCTGGGGCTGGTTCTCGTAACTGTATAAATTCTGAATGGAATATGA-3'
Protein context (NP_803187.1, residues 1226-1246): ENQPQPSDEC[Thr1236Ala]LLSNKYLDGN

ClinVar aggregate classification (germline): Uncertain significance. Review status: criteria provided, multiple submitters, no conflicts (2 of 4 stars). 2 submissions from 2 submitters: Uncertain significance (2). Last evaluated 2024-12-19.

Conditions:
DICER1-related tumor predisposition. Also called: DICER1 syndrome; DICER1-related pleuropulmonary blastoma cancer predisposition syndrome. Identifiers: Orphanet 284343, MedGen C3839822, MONDO:0100216.
Hereditary cancer-predisposing syndrome. Also called: Hereditary neoplastic syndrome; Tumor predisposition; Neoplastic Syndromes, Hereditary; Hereditary Cancer Syndrome. Identifiers: Orphanet 140162, MedGen C0027672, MeSH D009386, MONDO:0015356.

Submissions (2):

Hereditary Cancer Group, L’Institut d'Investigació Biomèdica de Bellvitge
Classification: Uncertain significance for Hereditary cancer-predisposing syndrome. Last evaluated: 2024-12-19. Review status: criteria provided, single submitter. Criteria: Hatton et al. (Hum Mutat. 2023). Collection method: clinical testing. Allele origin: germline. Inheritance: Autosomal dominant inheritance. Affected: yes.
Comment: PM2_supporting, BP4

Labcorp Genetics (formerly Invitae), Labcorp
Classification: Uncertain significance for DICER1-related tumor predisposition. Last evaluated: 2022-09-23. Review status: criteria provided, single submitter. Criteria: Invitae Variant Classification Sherloc (09022015). Collection method: clinical testing. Allele origin: germline.
Comment: This sequence change replaces threonine, which is neutral and polar, with alanine, which is neutral and non-polar, at codon 1236 of the DICER1 protein (p.Thr1236Ala). This variant is not present in population databases (gnomAD no frequency). This variant has not been reported in the literature in individuals affected with DICER1-related conditions. ClinVar contains an entry for this variant (Variation ID: 857609). Advanced modeling of protein sequence and biophysical properties (such as structural, functional, and spatial information, amino acid conservation, physicochemical variation, residue mobility, and thermodynamic stability) performed at Invitae indicates that this missense variant is not expected to disrupt DICER1 protein function. In summary, the available evidence is currently insufficient to determine the role of this variant in disease. Therefore, it has been classified as a Variant of Uncertain Significance.